The following is an entry in ClinVar:

NM_032603.5(LOXL3):c.2010C>A (p.Tyr670Ter)

Gene: LOXL3 (lysyl oxidase like 3; minus strand). Cytogenetic location: 2p13.1.
Variant type: single nucleotide variant.
Coding change: c.2010C>A on transcript NM_032603.5 (MANE Select); coding-DNA position 2010, C replaced by A.
Protein change: p.Tyr670Ter; replaces tyrosine 670 with a stop codon.
Molecular consequence: nonsense.
Genome position (GRCh38, 1-based): chr2:74,534,166, G>T on the plus strand (C>A on the coding strand, the complement: LOXL3 is on the minus strand). VCF-style: chr2-74534166-G-T. GRCh37 (hg19) VCF-style: chr2-74761293-G-T.
Other names: c.1575C>A, p.Tyr525Ter (NM_001289164.3); c.927C>A, p.Tyr309Ter (NM_001289165.2); short protein forms Y309*, Y525*, Y670*.
Identifiers: ClinVar variation 3343332 (VCV003343332.1).

ClinVar aggregate classification (germline): Uncertain significance (1 of 4 stars; one submission).

Submission:

GeneDx
Classification: Uncertain significance. Last evaluated: 2023-12-11. Review status: criteria provided, single submitter. Criteria: GeneDx Variant Classification Process June 2021. Collection method: clinical testing. Allele origin: germline. Affected: yes.
Comment: Not observed at significant frequency in large population cohorts (gnomAD); Nonsense variant predicted to result in protein truncation or nonsense mediated decay in a gene or region of a gene for which loss of function is not a well-established mechanism of disease; Has not been previously published as pathogenic or benign to our knowledge